The following is an entry in ClinVar:

NM_170784.3(MKKS):c.1530G>A (p.Trp510Ter)

Gene: MKKS (MKKS centrosomal shuttling protein; minus strand). Cytogenetic location: 20p12.2.
Variant type: single nucleotide variant.
Coding change: c.1530G>A on transcript NM_170784.3 (MANE Select); coding-DNA position 1530, G replaced by A.
Protein change: p.Trp510Ter; replaces tryptophan 510 with a stop codon.
Molecular consequence: nonsense. On other transcripts: non-coding transcript variant (1).
Genome position (GRCh38, 1-based): chr20:10,405,430, C>T on the plus strand (G>A on the coding strand, the complement: MKKS is on the minus strand). VCF-style: chr20-10405430-C-T. GRCh37 (hg19) VCF-style: chr20-10386078-C-T.
Other names: p.Trp510*; c.1530G>A, p.Trp510Ter (NM_018848.3); short protein forms W510*.
Identifiers: ClinVar variation 2683529 (VCV002683529.8), dbSNP rs777446581, ClinGen allele CA9763461.
Genomic context (GRCh38, chr20:10,405,430, plus strand): 5'-AGCTTCATGTGGAAGGCAGCTTTGTGGCACAAATGGACGACGTGTGCTTCTTAAGAAAGA[C>T]CAGTTGAGTTCTTCCTGGCTATTGTATAATCCACAGCCACACTGTGAAAGCAAATCTGGC-3'

ClinVar aggregate classification (germline): Likely pathogenic. Review status: criteria provided, multiple submitters, no conflicts (2 of 4 stars). 4 submissions from 4 submitters: Likely pathogenic (4). Last evaluated 2026-09-14.

Conditions:
Bardet-Biedl syndrome (BBS). Identifiers: Orphanet 110, MedGen C0752166, MONDO:0015229.
McKusick-Kaufman syndrome (MKKS). Also called: HYDROMETROCOLPOS SYNDROME; HYDROMETROCOLPOS, POSTAXIAL POLYDACTYLY, AND CONGENITAL HEART MALFORMATION. Identifiers: Orphanet 2473, MedGen C0948368, MONDO:0009367, OMIM 236700.
MKKS-related disorder. Also called: MKKS-related disorders; MKKS-related condition.
Bardet-Biedl syndrome 6 (BBS6). Identifiers: Orphanet 110, MedGen C1858054, MONDO:0011523, OMIM 605231.

Allele frequency attached by ClinVar (database versions not stated): ExAC 0.00001; gnomAD 0.00001; TOPMed 0.00002.

Submissions (4):

PreventionGenetics, part of Exact Sciences
Classification: Likely pathogenic for MKKS-related condition. Last evaluated: 2026-09-14. Review status: criteria provided, single submitter. Criteria: ACMG Guidelines, 2015. Collection method: clinical testing. Allele origin: germline.
Comment: The MKKS c.1530G>A variant is predicted to result in premature protein termination (p.Trp510*). This variant has been reported in the homozygous state in at least one individual with Bardet-Biedl syndrome (Table S8, Perea-Romero et al. 2021. PubMed ID: 34448047; Table S6, Perea-Romero et al. 2022. PubMed ID: 35835773). This variant is reported in 0.0029% of alleles in individuals of Latino descent in gnomAD. Nonsense variants in MKKS are expected to be pathogenic. This change is located in the terminal exon, yet other early termination changes have also been documented as causative in this exon, both up and downstream (Muller et al. 2010. PubMed ID: 20177705; Human Gene Mutation Database). This variant is interpreted as likely pathogenic.

Labcorp Genetics (formerly Invitae), Labcorp
Classification: Likely pathogenic for McKusick-Kaufman syndrome; Bardet-Biedl syndrome. Last evaluated: 2025-09-24. Review status: criteria provided, single submitter. Criteria: Invitae Variant Classification Sherloc (09022015). Collection method: clinical testing. Allele origin: germline.
Comment: This sequence change creates a premature translational stop signal (p.Trp510*) in the MKKS gene. While this is not anticipated to result in nonsense mediated decay, it is expected to disrupt the last 61 amino acid(s) of the MKKS protein. This variant is present in population databases (rs777446581, gnomAD 0.003%). This premature translational stop signal has been observed in individuals with Bardet-Biedl syndrome (PMID: 34448047, 35835773; internal data). ClinVar contains an entry for this variant (Variation ID: 2683529). Experimental studies and prediction algorithms are not available or were not evaluated, and the functional significance of this variant is currently unknown. This variant disrupts a region of the MKKS protein in which other variant(s) (p.Gln550Pro) have been observed in individuals with MKKS-related conditions (internal data). This suggests that this is a clinically significant region of the protein, and that variants that disrupt it are likely to be disease-causing. In summary, the currently available evidence indicates that the variant is pathogenic, but additional data are needed to prove that conclusively. Therefore, this variant has been classified as Likely Pathogenic.

Mayo Clinic Laboratories, Mayo Clinic
Classification: Likely pathogenic. Last evaluated: 2025-08-06. Review status: criteria provided, single submitter. Criteria: ACMG Guidelines, 2015. Collection method: clinical testing. Allele origin: germline. Observed: 1 variant allele.
Comment: PM2_supporting, PVS1_strong

Fulgent Genetics
Classification: Likely pathogenic for McKusick-Kaufman syndrome; Bardet-Biedl syndrome 6. Last evaluated: 2024-06-13. Review status: criteria provided, single submitter. Criteria: ACMG Guidelines, 2015. Collection method: clinical testing. Allele origin: germline.

Literature cited by the submitters: PubMed 34448047 (cited by Labcorp Genetics (formerly Invitae), Labcorp and Mayo Clinic Laboratories, Mayo Clinic); PubMed 35835773 (cited by Labcorp Genetics (formerly Invitae), Labcorp and Mayo Clinic Laboratories, Mayo Clinic); PubMed 20177705 (cited by Mayo Clinic Laboratories, Mayo Clinic).